The following is an entry in ClinVar:

NM_000535.7(PMS2):c.774C>A (p.Ser258Arg)

Gene: PMS2 (PMS1 homolog 2, mismatch repair system component; minus strand). Cytogenetic location: 7p22.1.
Variant type: single nucleotide variant.
Coding change: c.774C>A on transcript NM_000535.7 (MANE Select); coding-DNA position 774, C replaced by A.
Protein change: p.Ser258Arg; replaces serine 258 with arginine.
Molecular consequence: missense variant. On other transcripts: 5 prime UTR variant (2), non-coding transcript variant (1).
Genome position (GRCh38, 1-based): chr7:5,997,355, G>T on the plus strand (C>A on the coding strand, the complement: PMS2 is on the minus strand). VCF-style: chr7-5997355-G-T. GRCh37 (hg19) VCF-style: chr7-6036986-G-T.
Other names: c.369C>A, p.Ser123Arg (NM_001018040.1, NM_001322003.2, NM_001322004.2 and 20 more transcripts); c.774C>A, p.Ser258Arg (NM_001322006.2, NM_001322014.2, NM_001406870.1 and 3 more transcripts); c.456C>A, p.Ser152Arg (NM_001322007.2, NM_001322008.2, NM_001406876.1 and 4 more transcripts); c.-160C>A (NM_001322011.2, NM_001322012.2); c.201C>A, p.Ser67Arg (NM_001322013.2, NM_001406909.1); c.465C>A, p.Ser155Arg (NM_001322015.2, NM_001406875.1, NM_001406877.1 and 6 more transcripts); c.960C>A, p.Ser320Arg (NM_001406866.1); c.798C>A, p.Ser266Arg (NM_001406868.1); and 4 more; short protein forms S123R, S258R, S87R, S152R, S202R, S266R, S67R, S146R.
Identifiers: ClinVar variation 1760438 (VCV001760438.2), dbSNP rs1784526585, ClinGen allele CA366743662.

ClinVar aggregate classification (germline): Uncertain significance (1 of 4 stars; one submission).

Conditions:
Hereditary cancer-predisposing syndrome. Also called: Neoplastic Syndromes, Hereditary; Tumor predisposition; Hereditary Cancer Syndrome; Hereditary neoplastic syndrome. Identifiers: Orphanet 140162, MedGen C0027672, MeSH D009386, MONDO:0015356.

Submission:

Ambry Genetics
Classification: Uncertain significance for Hereditary cancer-predisposing syndrome. Last evaluated: 2020-05-14. Review status: criteria provided, single submitter. Criteria: Ambry Variant Classification Scheme 2023. Collection method: clinical testing. Allele origin: germline.
Comment: The p.S258R variant (also known as c.774C>A), located in coding exon 7 of the PMS2 gene, results from a C to A substitution at nucleotide position 774. The serine at codon 258 is replaced by arginine, an amino acid with dissimilar properties. This amino acid position is poorly conserved in available vertebrate species. In addition, this alteration is predicted to be tolerated by in silico analysis. Since supporting evidence is limited at this time, the clinical significance of this alteration remains unclear.